The following is an entry in ClinVar:

ClinVar aggregate classification (germline): Uncertain significance (1 of 4 stars; one submission).

Conditions:
Familial thoracic aortic aneurysm and aortic dissection (TAAD). Also called: Thoracic aortic aneurysms and dissections. Identifiers: Orphanet 91387, MedGen C4707243, MONDO:0019625.

Allele frequency attached by ClinVar (database versions not stated): gnomAD 0.00001; TOPMed 0.00002.
gnomAD v4.1: 2 of 1,614,114 alleles (0.00012%); highest among the groups gnomAD compares: African/African-American, 0.0013%; no homozygotes.

Submission:

Ambry Genetics
Classification: Uncertain significance for Familial thoracic aortic aneurysm and aortic dissection. Last evaluated: 2022-02-04. Review status: criteria provided, single submitter. Criteria: Ambry Variant Classification Scheme 2023. Collection method: clinical testing. Allele origin: germline.
Comment: The p.N16K variant (also known as c.48C>G), located in coding exon 1 of the TGFB3 gene, results from a C to G substitution at nucleotide position 48. The asparagine at codon 16 is replaced by lysine, an amino acid with similar properties. This amino acid position is conserved. In addition, this alteration is predicted to be tolerated by in silico analysis. Since supporting evidence is limited at this time, the clinical significance of this alteration remains unclear.

NM_003239.5(TGFB3):c.48C>G (p.Asn16Lys)

Gene: TGFB3 (transforming growth factor beta 3; minus strand). Cytogenetic location: 14q24.3.
Variant type: single nucleotide variant.
Coding change: c.48C>G on transcript NM_003239.5 (MANE Select); coding-DNA position 48, C replaced by G.
Protein change: p.Asn16Lys; replaces asparagine 16 with lysine.
Molecular consequence: missense variant.
Genome position (GRCh38, 1-based): chr14:75,980,846, G>C on the plus strand (C>G on the coding strand, the complement: TGFB3 is on the minus strand). VCF-style: chr14-75980846-G-C. GRCh37 (hg19) VCF-style: chr14-76447189-G-C.
Other names: c.48C>G, p.Asn16Lys (NM_001329938.2, NM_001329939.2); short protein forms N16K.
Identifiers: ClinVar variation 1743936 (VCV001743936.2), dbSNP rs759358916, ClinGen allele CA7280529.